The following is an entry in ClinVar:

NM_005188.4(CBL):c.1951A>G (p.Ser651Gly)

Gene: CBL (Cbl proto-oncogene; plus strand). Cytogenetic location: 11q23.3.
Variant type: single nucleotide variant.
Coding change: c.1951A>G on transcript NM_005188.4 (MANE Select); coding-DNA position 1951, A replaced by G.
Protein change: p.Ser651Gly; replaces serine 651 with glycine.
Molecular consequence: missense variant.
Genome position (GRCh38, 1-based): chr11:119,287,861, A>G. VCF-style: chr11-119287861-A-G. GRCh37 (hg19) VCF-style: chr11-119158571-A-G.
Other names: c.1951A>G (NM_005188.2); short protein forms S651G.
Identifiers: ClinVar variation 2859602 (VCV002859602.4), dbSNP rs1949995966, ClinGen allele CA382922209.

ClinVar aggregate classification (germline): Uncertain significance. Review status: criteria provided, multiple submitters, no conflicts (2 of 4 stars). 2 submissions from 2 submitters: Uncertain significance (2). Last evaluated 2026-02-17.

Conditions:
Cardiovascular phenotype. Identifiers: MedGen CN230736.
RASopathy. Also called: rasopathies; Noonan spectrum disorder. Identifiers: Orphanet 536391, MedGen C5555857, MONDO:0021060.

Allele frequency attached by ClinVar (database versions not stated): TOPMed below 0.00001.

Submissions (2):

Ambry Genetics
Classification: Uncertain significance for Cardiovascular phenotype. Last evaluated: 2026-02-17. Review status: criteria provided, single submitter. Criteria: Ambry Variant Classification Scheme 2023. Collection method: clinical testing. Allele origin: germline.
Comment: The p.S651G variant (also known as c.1951A>G), located in coding exon 12 of the CBL gene, results from an A to G substitution at nucleotide position 1951. The serine at codon 651 is replaced by glycine, an amino acid with similar properties. This amino acid position is conserved. In addition, this alteration is predicted to be tolerated by in silico analysis. Based on the available evidence, the clinical significance of this variant remains unclear.

Labcorp Genetics (formerly Invitae), Labcorp
Classification: Uncertain significance for RASopathy. Last evaluated: 2023-05-23. Review status: criteria provided, single submitter. Criteria: Invitae Variant Classification Sherloc (09022015). Collection method: clinical testing. Allele origin: germline.
Comment: In summary, the available evidence is currently insufficient to determine the role of this variant in disease. Therefore, it has been classified as a Variant of Uncertain Significance. Advanced modeling of protein sequence and biophysical properties (such as structural, functional, and spatial information, amino acid conservation, physicochemical variation, residue mobility, and thermodynamic stability) performed at Invitae indicates that this missense variant is not expected to disrupt CBL protein function. This variant has not been reported in the literature in individuals affected with CBL-related conditions. This variant is not present in population databases (gnomAD no frequency). This sequence change replaces serine, which is neutral and polar, with glycine, which is neutral and non-polar, at codon 651 of the CBL protein (p.Ser651Gly).